The following is an entry in ClinVar:

ClinVar aggregate classification (germline): Pathogenic. Review status: reviewed by expert panel (3 of 4 stars). 7 submissions from 7 submitters: Pathogenic (1). 6 of the submissions do not count toward it. Last evaluated 2016-09-08.

Conditions:
Hereditary cancer-predisposing syndrome. Also called: Tumor predisposition; Neoplastic Syndromes, Hereditary; Hereditary neoplastic syndrome; Hereditary Cancer Syndrome. Identifiers: Orphanet 140162, MedGen C0027672, MeSH D009386, MONDO:0015356.
Hereditary breast ovarian cancer syndrome. Also called: Hereditary breast and ovarian cancer; Hereditary breast and ovarian cancer syndrome (HBOC); Hereditary breast and/or ovarian cancer syndrome; Breast and ovarian cancer; Hereditary breast and ovarian cancer syndrome; BRCA1- and BRCA2-Associated Hereditary Breast and Ovarian Cancer. Identifiers: Orphanet 145, MedGen C0677776, MeSH D061325, MONDO:0003582. Disease mechanism: loss of function.
Breast-ovarian cancer, familial, susceptibility to, 2 (BROVCA2). Also called: BRCA2 Hereditary Breast and Ovarian Cancer. Identifiers: Orphanet 145, MedGen C2675520, MONDO:0012933, OMIM 612555. Disease mechanism: loss of function.

Submissions (7):

Evidence-based Network for the Interpretation of Germline Mutant Alleles (ENIGMA)
Classification: Pathogenic for Breast-ovarian cancer, familial, susceptibility to, 2. Last evaluated: 2016-09-08. Review status: reviewed by expert panel. Criteria: ENIGMA BRCA1/2 Classification Criteria (2015). Collection method: curation. Allele origin: germline.
Comment: Variant allele predicted to encode a truncated non-functional protein.

Labcorp Genetics (formerly Invitae), Labcorp
Classification: Pathogenic for Hereditary breast ovarian cancer syndrome. Last evaluated: 2025-12-29. Review status: criteria provided, single submitter. Criteria: Invitae Variant Classification Sherloc (09022015). Collection method: clinical testing. Allele origin: germline. Not counted in ClinVar's aggregate classification.
Comment: This sequence change creates a premature translational stop signal (p.Asn679Ilefs*3) in the BRCA2 gene. It is expected to result in an absent or disrupted protein product. Loss-of-function variants in BRCA2 are known to be pathogenic (PMID: 20104584). This variant is not present in population databases (gnomAD no frequency). This variant has not been reported in the literature in individuals affected with BRCA2-related conditions. ClinVar contains an entry for this variant (Variation ID: 37773). For these reasons, this variant has been classified as Pathogenic.

Ambry Genetics
Classification: Pathogenic for Hereditary cancer-predisposing syndrome. Last evaluated: 2025-10-09. Review status: criteria provided, single submitter. Criteria: Ambry Variant Classification Scheme 2023. Collection method: clinical testing. Allele origin: germline. Not counted in ClinVar's aggregate classification.
Comment: The c.2036delA pathogenic mutation, located in coding exon 10 of the BRCA2 gene, results from a deletion of one nucleotide at nucleotide position 2036, causing a translational frameshift with a predicted alternate stop codon (p.N679Ifs*3). This alteration is expected to result in loss of function by premature protein truncation or nonsense-mediated mRNA decay. As such, this alteration is interpreted as a disease-causing mutation.

Women's Health and Genetics/Laboratory Corporation of America, LabCorp
Classification: Pathogenic for Hereditary breast ovarian cancer syndrome. Last evaluated: 2024-03-28. Review status: criteria provided, single submitter. Criteria: LabCorp Variant Classification Summary - May 2015. Collection method: clinical testing. Allele origin: germline. Not counted in ClinVar's aggregate classification.
Comment: Variant summary: BRCA2 c.2036delA (p.Asn679IlefsX3) results in a premature termination codon, predicted to cause a truncation of the encoded protein or absence of the protein due to nonsense mediated decay, which are commonly known mechanisms for BRCA2-related disease. The variant was absent in 250198 control chromosomes. To our knowledge, no occurrence of c.2036delA in individuals affected with Hereditary Breast And Ovarian Cancer Syndrome and no experimental evidence demonstrating its impact on protein function have been reported. ClinVar contains an entry for this variant (Variation ID: 37773). Based on the evidence outlined above, the variant was classified as pathogenic.

Color Diagnostics, LLC DBA Color Health
Classification: Pathogenic for Hereditary cancer-predisposing syndrome. Last evaluated: 2020-10-20. Review status: criteria provided, single submitter. Criteria: ACMG Guidelines, 2015. Collection method: clinical testing. Allele origin: germline. Not counted in ClinVar's aggregate classification.
Comment: This variant deletes 1 nucleotide in exon 11 of the BRCA2 gene, creating a frameshift and premature translation stop signal. This variant is expected to result in an absent or non-functional protein product. To our knowledge, this variant has not been reported in individuals affected with hereditary cancer in the literature. This variant has not been identified in the general population by the Genome Aggregation Database (gnomAD). Loss of BRCA2 function is a known mechanism of disease. Based on the available evidence, this variant is classified as Pathogenic.

Sharing Clinical Reports Project (SCRP)
Classification: Pathogenic for Breast-ovarian cancer, familial 2. Last evaluated: 2010-03-24. Review status: no assertion criteria provided. Collection method: clinical testing. Allele origin: germline. Not counted in ClinVar's aggregate classification.

Breast Cancer Information Core (BIC) (BRCA2)
Classification: Pathogenic for Breast-ovarian cancer, familial 2. Last evaluated: 2001-03-30. Review status: no assertion criteria provided. Collection method: clinical testing. Allele origin: germline. Affected: yes. Observed: 1 variant allele. Not counted in ClinVar's aggregate classification.

Literature cited by the submitters: PubMed 20104584 (cited by Labcorp Genetics (formerly Invitae), Labcorp).

NM_000059.4(BRCA2):c.2036del (p.Asn679fs)

Gene: BRCA2 (BRCA2 DNA repair associated; plus strand). Cytogenetic location: 13q13.1.
Variant type: Deletion.
Coding change: c.2036del on transcript NM_000059.4 (MANE Select); coding-DNA position 2036, one base deleted (A; older notation c.2036delA).
Protein change: p.Asn679fs; shifts the reading frame from asparagine 679.
Molecular consequence: frameshift variant.
Genome position (GRCh38, 1-based): chr13:32,336,391, A deleted; the last of 2 consecutive A bases (chr13:32,336,390-32,336,391); deleting either gives the same sequence. VCF-style (leftmost placement, unchanged base first): chr13-32336389-TA-T. GRCh37 (hg19) VCF-style: chr13-32910526-TA-T.
Other names: 2264delA; c.2036delA (NM_000059.3, NM_000059.4); short protein forms N679fs.
Identifiers: ClinVar variation 37773 (VCV000037773.20), dbSNP rs80359318, ClinGen allele CA014184.